The following is an entry in ClinVar:

ClinVar aggregate classification (germline): Uncertain significance (1 of 4 stars; one submission).

Allele frequency attached by ClinVar (database versions not stated): 1000 Genomes Project 30x 0.00016.
gnomAD v4.1: 3 of 1,220,102 alleles (0.00025%); highest among the groups gnomAD compares: East Asian, 0.0034%; no homozygotes.

Submission:

Labcorp Genetics (formerly Invitae), Labcorp
Classification: Uncertain significance. Last evaluated: 2023-09-10. Review status: criteria provided, single submitter. Criteria: Invitae Variant Classification Sherloc (09022015). Collection method: clinical testing. Allele origin: germline.
Comment: In summary, the available evidence is currently insufficient to determine the role of this variant in disease. Therefore, it has been classified as a Variant of Uncertain Significance. An algorithm developed to predict the effect of missense changes on protein structure and function (PolyPhen-2) suggests that this variant is likely to be tolerated. This variant has not been reported in the literature in individuals affected with ALPK3-related conditions. This variant is not present in population databases (gnomAD no frequency). This sequence change replaces alanine, which is neutral and non-polar, with serine, which is neutral and polar, at codon 181 of the ALPK3 protein (p.Ala181Ser).

NM_020778.5(ALPK3):c.-66G>T

Gene: ALPK3 (alpha kinase 3; plus strand). Cytogenetic location: 15q25.3.
Variant type: single nucleotide variant.
Coding change: c.-66G>T on transcript NM_020778.5 (MANE Select); 66 bases upstream of the start codon, G replaced by T.
Molecular consequence: 5 prime UTR variant.
Genome position (GRCh38, 1-based): chr15:84,817,387, G>T. VCF-style: chr15-84817387-G-T. GRCh37 (hg19) VCF-style: chr15-85360618-G-T.
Identifiers: ClinVar variation 2824052 (VCV002824052.3), dbSNP rs1442585193, ClinGen allele CA393369122.